The following is an entry in ClinVar:

NM_000722.4(CACNA2D1):c.1967A>G (p.Asn656Ser)

Gene: CACNA2D1 (calcium voltage-gated channel auxiliary subunit alpha2delta 1; minus strand). Cytogenetic location: 7q21.11.
Variant type: single nucleotide variant.
Coding change: c.1967A>G on transcript NM_000722.4 (MANE Select); coding-DNA position 1967, A replaced by G.
Protein change: p.Asn656Ser; replaces asparagine 656 with serine.
Molecular consequence: missense variant.
Genome position (GRCh38, 1-based): chr7:81,974,541, T>C on the plus strand (A>G on the coding strand, the complement: CACNA2D1 is on the minus strand). VCF-style: chr7-81974541-T-C. GRCh37 (hg19) VCF-style: chr7-81603857-T-C.
Other names: c.2003A>G, p.Asn668Ser (NM_001366867.1); short protein forms N668S, N656S.
Identifiers: ClinVar variation 2741431 (VCV002741431.3), dbSNP rs747054162, ClinGen allele CA4317789.

ClinVar aggregate classification (germline): Uncertain significance (1 of 4 stars; one submission).

Conditions:
Brugada syndrome. Also called: Sudden Unexplained Death Syndrome; Sudden Unexplained Nocturnal Death Syndrome (SUNDS); Sudden unexplained nocturnal death syndrome; Sudden unexpected nocturnal death syndrome. Identifiers: Orphanet 130, MedGen C1142166, MONDO:0015263.

Allele frequency attached by ClinVar (database versions not stated): gnomAD exomes below 0.00001; ExAC 0.00001; gnomAD 0.00001.
gnomAD v4.1: 4 of 1,520,482 alleles (0.00026%); highest among the groups gnomAD compares: South Asian, 0.0011%; no homozygotes.

Submission:

Labcorp Genetics (formerly Invitae), Labcorp
Classification: Uncertain significance for Brugada syndrome. Last evaluated: 2022-11-28. Review status: criteria provided, single submitter. Criteria: Invitae Variant Classification Sherloc (09022015). Collection method: clinical testing. Allele origin: germline.
Comment: This sequence change replaces asparagine, which is neutral and polar, with serine, which is neutral and polar, at codon 656 of the CACNA2D1 protein (p.Asn656Ser). The frequency data for this variant in the population databases is considered unreliable, as metrics indicate poor data quality at this position in the gnomAD database. This variant has not been reported in the literature in individuals affected with CACNA2D1-related conditions. Algorithms developed to predict the effect of missense changes on protein structure and function output the following: SIFT: "Tolerated"; PolyPhen-2: "Benign"; Align-GVGD: "Class C0". The serine amino acid residue is found in multiple mammalian species, which suggests that this missense change does not adversely affect protein function. In summary, the available evidence is currently insufficient to determine the role of this variant in disease. Therefore, it has been classified as a Variant of Uncertain Significance.